The following is an entry in ClinVar:

ClinVar aggregate classification (germline): Likely benign (0 of 4 stars; one submission).

Conditions:
HMG20A-related disorder. Also called: HMG20A-related condition.

Allele frequency attached by ClinVar (database versions not stated): gnomAD exomes 0.00003; ExAC 0.00004; gnomAD 0.00005; TOPMed 0.00008.
gnomAD v4.1: 62 of 1,613,038 alleles (0.0038%); highest among the groups gnomAD compares: Admixed American, 0.025%; no homozygotes.

Submission:

PreventionGenetics, part of Exact Sciences
Classification: Likely benign for HMG20A-related condition. Last evaluated: 2019-07-19. Review status: no assertion criteria provided. Collection method: clinical testing. Allele origin: germline.
Comment: This variant is classified as likely benign based on ACMG/AMP sequence variant interpretation guidelines (Richards et al. 2015 PMID: 25741868, with internal and published modifications).

NM_001304504.2(HMG20A):c.54C>T (p.Asp18=)

Gene: HMG20A (high mobility group 20A; plus strand). Cytogenetic location: 15q24.3.
Variant type: single nucleotide variant.
Coding change: c.54C>T on transcript NM_001304504.2 (MANE Select); coding-DNA position 54, C replaced by T.
Protein change: p.Asp18=; no amino-acid change (aspartic acid 18 retained).
Molecular consequence: synonymous variant. On other transcripts: 5 prime UTR variant (1).
Genome position (GRCh38, 1-based): chr15:77,458,461, C>T. VCF-style: chr15-77458461-C-T. GRCh37 (hg19) VCF-style: chr15-77750803-C-T.
Other names: c.-198C>T (NM_001304505.2); c.54C>T, p.Asp18= (NM_018200.4).
Identifiers: ClinVar variation 3049848 (VCV003049848.2), dbSNP rs747117781, ClinGen allele CA7677444.